The following is an entry in ClinVar:

NM_138713.4(NFAT5):c.610A>G (p.Met204Val)

Gene: NFAT5 (nuclear factor of activated T cells 5; plus strand). Cytogenetic location: 16q22.1.
Variant type: single nucleotide variant.
Coding change: c.610A>G on transcript NM_138713.4 (MANE Select); coding-DNA position 610, A replaced by G.
Protein change: p.Met204Val; replaces methionine 204 with valine.
Molecular consequence: missense variant. On other transcripts: intron variant (1).
Genome position (GRCh38, 1-based): chr16:69,647,384, A>G. VCF-style: chr16-69647384-A-G. GRCh37 (hg19) VCF-style: chr16-69681287-A-G.
Other names: c.610A>G, p.Met204Val (NM_001113178.3); c.556A>G, p.Met186Val (NM_006599.4); c.328A>G, p.Met110Val (NM_138714.4, NM_173214.3, NM_173215.3); c.140+217A>G (NM_001367709.1); c.610A>G (NM_138713.3); short protein forms M186V, M110V, M204V.
Identifiers: ClinVar variation 1445892 (VCV001445892.10), dbSNP rs752063700, ClinGen allele CA8135387.
Genomic context (GRCh38, chr16:69,647,384, plus strand): 5'-TTGGAATCTGAGCAGAGCTGCAGTATGTGGATGGAGGATTCCCCCTCCAACTTCAGTAAC[A>G]TGAGCACCAGTTCCTACAATGATAACACTGAGGTACCTCGTAAATCACGAAAACGAAATC-3'
Protein context (NP_619727.2, residues 194-214): MEDSPSNFSN[Met204Val]STSSYNDNTE

ClinVar aggregate classification (germline): Uncertain significance. Review status: criteria provided, multiple submitters, no conflicts (2 of 4 stars). 2 submissions from 2 submitters: Uncertain significance (2). Last evaluated 2025-09-24.

Conditions:
Immunodeficiency. Identifiers: MedGen C0021051, MONDO:0021094, HP:0002721.

Allele frequency attached by ClinVar (database versions not stated): gnomAD exomes 0.00001 and 0.00002; ExAC 0.00002.
gnomAD v4.1: 19 of 1,614,208 alleles (0.0012%); highest among the groups gnomAD compares: Middle Eastern, 0.049%; no homozygotes.

Submissions (2):

Ambry Genetics
Classification: Uncertain significance. Last evaluated: 2025-09-24. Review status: criteria provided, single submitter. Criteria: Ambry Variant Classification Scheme 2023. Collection method: clinical testing. Allele origin: germline.

Labcorp Genetics (formerly Invitae), Labcorp
Classification: Uncertain significance for Immunodeficiency. Last evaluated: 2022-05-21. Review status: criteria provided, single submitter. Criteria: Invitae Variant Classification Sherloc (09022015). Collection method: clinical testing. Allele origin: germline.
Comment: This sequence change replaces methionine, which is neutral and non-polar, with valine, which is neutral and non-polar, at codon 110 of the NFAT5 protein (p.Met110Val). This variant is present in population databases (rs752063700, gnomAD 0.004%). In summary, the available evidence is currently insufficient to determine the role of this variant in disease. Therefore, it has been classified as a Variant of Uncertain Significance. Algorithms developed to predict the effect of sequence changes on RNA splicing suggest that this variant may create or strengthen a splice site. Algorithms developed to predict the effect of missense changes on protein structure and function are either unavailable or do not agree on the potential impact of this missense change (SIFT: "Tolerated"; PolyPhen-2: "Probably Damaging"; Align-GVGD: "Class C0"). This variant has not been reported in the literature in individuals affected with NFAT5-related conditions.